The following is an entry in ClinVar:

NM_018100.4(EFHC1):c.1549G>T (p.Glu517Ter)

Gene: EFHC1 (EF-hand domain containing 1; plus strand). Cytogenetic location: 6p12.2.
Variant type: single nucleotide variant.
Coding change: c.1549G>T on transcript NM_018100.4 (MANE Select); coding-DNA position 1549, G replaced by T.
Protein change: p.Glu517Ter; replaces glutamic acid 517 with a stop codon.
Molecular consequence: nonsense. On other transcripts: non-coding transcript variant (1).
Genome position (GRCh38, 1-based): chr6:52,479,696, G>T. VCF-style: chr6-52479696-G-T. GRCh37 (hg19) VCF-style: chr6-52344494-G-T.
Other names: c.1492G>T, p.Glu498Ter (NM_001172420.2); short protein forms E498*, E517*.
Identifiers: ClinVar variation 1011274 (VCV001011274.3), dbSNP rs1765630267, ClinGen allele CA364458079.

ClinVar aggregate classification (germline): Uncertain significance (1 of 4 stars; one submission).

Conditions:
Typical absence seizure. Identifiers: MedGen C5551411, HP:0011147.
Myoclonic epilepsy, juvenile, susceptibility to, 1. Also called: Myoclonic Epilepsy, Juvenile, 1; EJM1. Identifiers: MedGen C1850778, MONDO:0020752, OMIM 254770.

Submission:

Labcorp Genetics (formerly Invitae), Labcorp
Classification: Uncertain significance for Myoclonic epilepsy, juvenile, susceptibility to, 1; Absence seizure. Last evaluated: 2020-03-20. Review status: criteria provided, single submitter. Criteria: Invitae Variant Classification Sherloc (09022015). Collection method: clinical testing. Allele origin: germline.
Comment: This sequence change creates a premature translational stop signal (p.Glu517Phefs*2) in the EFHC1 gene. It is expected to result in an absent or disrupted protein product. This variant is not present in population databases (ExAC no frequency). This variant has not been reported in the literature in individuals with EFHC1-related conditions. ClinVar contains an entry for this variant (Variation ID: 534105). The current clinical and genetic evidence is not sufficient to establish whether loss-of-function variants in EFHC1 cause disease. In summary, the available evidence is currently insufficient to determine the role of this variant in disease. Therefore, it has been classified as a Variant of Uncertain Significance.